The following is an entry in ClinVar:

ClinVar aggregate classification (germline): Pathogenic (1 of 4 stars; one submission).

gnomAD v4.1: 4 of 1,614,136 alleles (0.00025%); highest among the groups gnomAD compares: Non-Finnish European, 0.00034%; no homozygotes.

Submission:

Labcorp Genetics (formerly Invitae), Labcorp
Classification: Pathogenic. Last evaluated: 2025-04-11. Review status: criteria provided, single submitter. Criteria: Invitae Variant Classification Sherloc (09022015). Collection method: clinical testing. Allele origin: germline.
Comment: This sequence change creates a premature translational stop signal (p.Glu22*) in the KCNV2 gene. It is expected to result in an absent or disrupted protein product. Loss-of-function variants in KCNV2 are known to be pathogenic (PMID: 16909397, 18235024). The frequency data for this variant in the population databases is considered unreliable, as metrics indicate poor data quality at this position in the gnomAD database. This variant has not been reported in the literature in individuals affected with KCNV2-related conditions. For these reasons, this variant has been classified as Pathogenic.

Literature cited by the submitters: PubMed 16909397; PubMed 18235024.

NM_133497.4(KCNV2):c.64G>T (p.Glu22Ter)

Gene: KCNV2 (potassium voltage-gated channel modifier subfamily V member 2; plus strand). Cytogenetic location: 9p24.2.
Variant type: single nucleotide variant.
Coding change: c.64G>T on transcript NM_133497.4 (MANE Select); coding-DNA position 64, G replaced by T.
Protein change: p.Glu22Ter; replaces glutamic acid 22 with a stop codon.
Molecular consequence: nonsense.
Genome position (GRCh38, 1-based): chr9:2,717,803, G>T. VCF-style: chr9-2717803-G-T. GRCh37 (hg19) VCF-style: chr9-2717803-G-T.
Other names: short protein forms E22*.
Identifiers: ClinVar variation 4695844 (VCV004695844.1), dbSNP rs1257547518.